The following is an entry in ClinVar:

ClinVar aggregate classification (germline): Uncertain significance (1 of 4 stars; one submission).

Conditions:
Solitary median maxillary central incisor syndrome. Also called: SINGLE CENTRAL MAXILLARY INCISOR; FUSED INCISORS; Solitary median maxillary central incisor; SMMCI SYNDROME; Single Central Incisor Syndrome. Identifiers: MedGen C1840235, MONDO:0007819, OMIM 147250, HP:0006315.

gnomAD v4.1: 1 of 1,612,344 alleles (0.000062%); highest among the groups gnomAD compares: African/African-American, 0.0013%; no homozygotes.

Submission:

Johns Hopkins Genomics, Johns Hopkins University
Classification: Uncertain significance for Solitary median maxillary central incisor syndrome. Last evaluated: 2025-05-15. Review status: criteria provided, single submitter. Criteria: ACMG Guidelines, 2015. Collection method: clinical testing. Allele origin: germline.
Comment: This SLC5A2 missense variant (rs905122501) is rare (<0.1%) in a large population dataset (gnomAD v.4.1.0: 1/1612344 total alleles, 0.00006%, 0 homozygotes). It has not been reported in ClinVar nor the literature, to our knowledge. Two bioinformatic tools queried predict that this substitution would be tolerated, and the proline residue at this position is evolutionarily conserved across many species assessed. We consider the clinical significance of c.1804C>A in SLC5A2 to be uncertain at this time.

Literature cited by the submitters: PubMed 30942416.

NM_003041.4(SLC5A2):c.1804C>A (p.Pro602Thr)

Genes: RUSF1 (RUS family member 1; minus strand), SLC5A2 (solute carrier family 5 member 2; plus strand). Cytogenetic location: 16p11.2.
Variant type: single nucleotide variant.
Coding change: c.1804C>A on transcript NM_003041.4 (MANE Select); coding-DNA position 1804, C replaced by A.
Protein change: p.Pro602Thr; replaces proline 602 with threonine.
Molecular consequence: missense variant. On other transcripts: 3 prime UTR variant (1), non-coding transcript variant (1).
Genome position (GRCh38, 1-based): chr16:31,490,320, C>A. VCF-style: chr16-31490320-C-A. GRCh37 (hg19) VCF-style: chr16-31501641-C-A.
Other names: c.*515G>T (NM_022744.4); short protein forms P602T.
Identifiers: ClinVar variation 4280089 (VCV004280089.1).